The following is an entry in ClinVar:

NM_001365536.1(SCN9A):c.2111A>G (p.Glu704Gly)

Genes: SCN1A-AS1 (SCN1A and SCN9A antisense RNA 1; plus strand), SCN9A (sodium voltage-gated channel alpha subunit 9; minus strand). Cytogenetic location: 2q24.3.
Variant type: single nucleotide variant.
Coding change: c.2111A>G on transcript NM_001365536.1 (MANE Select); coding-DNA position 2111, A replaced by G.
Protein change: p.Glu704Gly; replaces glutamic acid 704 with glycine.
Molecular consequence: missense variant.
Genome position (GRCh38, 1-based): chr2:166,280,589, T>C on the plus strand (A>G on the coding strand, the complement: SCN9A is on the minus strand). VCF-style: chr2-166280589-T-C. GRCh37 (hg19) VCF-style: chr2-167137099-T-C.
Other names: c.2078A>G, p.Glu693Gly (NM_002977.4); short protein forms E693G, E704G.
Identifiers: ClinVar variation 2253901 (VCV002253901.5), dbSNP rs754999894, ClinGen allele CA1944327.
Genomic context (GRCh38, chr2:166,280,589, plus strand): 5'-CAGATCAAGAATTTGTGTGCAAATCTGTACCACCAAGGTGGACATTTTTGTCTGGACTCT[T>C]CAAGTTCTGGGAGAAAAAAGCAGAGAACATGGAGTCAGCCATTTGTCTGTTTCACTCCTA-3'
Protein context (NP_001352465.1, residues 694-714): SILTNTVEEL[Glu704Gly]ESRQKCPPWW

ClinVar aggregate classification (germline): Uncertain significance. Review status: criteria provided, multiple submitters, no conflicts (2 of 4 stars). 2 submissions from 2 submitters: Uncertain significance (2). Last evaluated 2023-03-29.

Conditions:
Inborn genetic diseases. Identifiers: MedGen C0950123, MeSH D030342.
Generalized epilepsy with febrile seizures plus, type 7 (GEFSP7). Also called: GEFS+, TYPE 7. Identifiers: Orphanet 36387, MedGen C2751778, MONDO:0013470, OMIM 613863.
Neuropathy, hereditary sensory and autonomic, type 2A (HSAN2A). Also called: WNK1-Related HSAN2 (HSAN2A); ACROOSTEOLYSIS, GIACCAI TYPE; ACROOSTEOLYSIS, NEUROGENIC; MORVAN DISEASE; NEUROPATHY, CONGENITAL SENSORY; NEUROPATHY, HEREDITARY SENSORY RADICULAR, AUTOSOMAL RECESSIVE. Identifiers: Orphanet 970, MedGen C2752089, MONDO:0024309, OMIM 201300.

gnomAD v4.1: 12 of 1,564,454 alleles (0.00077%); highest among the groups gnomAD compares: Non-Finnish European, 0.00096%; no homozygotes.

Submissions (2):

Labcorp Genetics (formerly Invitae), Labcorp
Classification: Uncertain significance for Neuropathy, hereditary sensory and autonomic, type 2A; Generalized epilepsy with febrile seizures plus, type 7. Last evaluated: 2023-03-29. Review status: criteria provided, single submitter. Criteria: Invitae Variant Classification Sherloc (09022015). Collection method: clinical testing. Allele origin: germline.
Comment: This variant is not present in population databases (gnomAD no frequency). In summary, the available evidence is currently insufficient to determine the role of this variant in disease. Therefore, it has been classified as a Variant of Uncertain Significance. Advanced modeling of protein sequence and biophysical properties (such as structural, functional, and spatial information, amino acid conservation, physicochemical variation, residue mobility, and thermodynamic stability) performed at Invitae indicates that this missense variant is not expected to disrupt SCN9A protein function. ClinVar contains an entry for this variant (Variation ID: 2253901). This variant has not been reported in the literature in individuals affected with SCN9A-related conditions. This sequence change replaces glutamic acid, which is acidic and polar, with glycine, which is neutral and non-polar, at codon 693 of the SCN9A protein (p.Glu693Gly).

Ambry Genetics
Classification: Uncertain significance for Inborn genetic diseases. Last evaluated: 2021-10-06. Review status: criteria provided, single submitter. Criteria: Ambry Variant Classification Scheme 2023. Collection method: clinical testing. Allele origin: germline.